The following is an entry in ClinVar:

NM_001364905.1(LRBA):c.2189C>G (p.Ser730Trp)

Gene: LRBA (LPS responsive beige-like anchor protein; minus strand). Cytogenetic location: 4q31.3.
Variant type: single nucleotide variant.
Coding change: c.2189C>G on transcript NM_001364905.1 (MANE Select); coding-DNA position 2189, C replaced by G.
Protein change: p.Ser730Trp; replaces serine 730 with tryptophan.
Molecular consequence: missense variant.
Genome position (GRCh38, 1-based): chr4:150,872,732, G>C on the plus strand (C>G on the coding strand, the complement: LRBA is on the minus strand). VCF-style: chr4-150872732-G-C. GRCh37 (hg19) VCF-style: chr4-151793884-G-C.
Other names: c.2189C>G, p.Ser730Trp (NM_001199282.3, NM_001367550.1, NM_006726.5); short protein forms S730W.
Identifiers: ClinVar variation 2009256 (VCV002009256.4), dbSNP rs777959133, ClinGen allele CA358467624.

ClinVar aggregate classification (germline): Uncertain significance (1 of 4 stars; one submission).

Conditions:
Combined immunodeficiency due to LRBA deficiency. Also called: Common variable immunodeficiency 8, with autoimmunity. Identifiers: Orphanet 445018, MedGen C3553512, MONDO:0013863, OMIM 614700.

gnomAD v4.1: 1 of 1,602,102 alleles (0.000062%); highest among the groups gnomAD compares: Admixed American, 0.0017%; no homozygotes.

Submission:

Labcorp Genetics (formerly Invitae), Labcorp
Classification: Uncertain significance for Combined immunodeficiency due to LRBA deficiency. Last evaluated: 2022-06-22. Review status: criteria provided, single submitter. Criteria: Invitae Variant Classification Sherloc (09022015). Collection method: clinical testing. Allele origin: germline.
Comment: In summary, the available evidence is currently insufficient to determine the role of this variant in disease. Therefore, it has been classified as a Variant of Uncertain Significance. Algorithms developed to predict the effect of missense changes on protein structure and function are either unavailable or do not agree on the potential impact of this missense change (SIFT: "Deleterious"; PolyPhen-2: "Probably Damaging"; Align-GVGD: "Class C0"). This variant has not been reported in the literature in individuals affected with LRBA-related conditions. This variant is not present in population databases (gnomAD no frequency). This sequence change replaces serine, which is neutral and polar, with tryptophan, which is neutral and slightly polar, at codon 730 of the LRBA protein (p.Ser730Trp).